The following is an entry in ClinVar:

NM_000512.5(GALNS):c.489del (p.Asn164fs)

Gene: GALNS (galactosamine (N-acetyl)-6-sulfatase; minus strand). Cytogenetic location: 16q24.3.
Variant type: Deletion.
Coding change: c.489del on transcript NM_000512.5 (MANE Select); coding-DNA position 489, one base deleted (C; older notation c.489delC).
Protein change: p.Asn164fs; shifts the reading frame from asparagine 164.
Molecular consequence: frameshift variant. On other transcripts: 5 prime UTR variant (1).
Genome position (GRCh38, 1-based): chr16:88,837,699, G deleted on the plus strand (C on the coding strand, the reverse complement: GALNS is on the minus strand); the first of 5 consecutive G bases (chr16:88,837,699-88,837,703); deleting any one gives the same sequence. VCF-style (leftmost placement, unchanged base first): chr16-88837698-TG-T. GRCh37 (hg19) VCF-style: chr16-88904106-TG-T.
Other names: c.-67del (NM_001323543.2); c.507del, p.Asn170fs (NM_001323544.2); c.489delC (NM_000512.4); short protein forms N164fs, N170fs.
Identifiers: ClinVar variation 643109 (VCV000643109.12), dbSNP rs1328983959, ClinGen allele CA497077103.

ClinVar aggregate classification (germline): Pathogenic/Likely pathogenic. Review status: criteria provided, multiple submitters, no conflicts (2 of 4 stars). 4 submissions from 4 submitters: Pathogenic (3); Likely pathogenic (1). Last evaluated 2023-11-27.

Conditions:
Morquio syndrome. Also called: Mucopolysaccharidosis, Type IV; MPS IV; Mucopolysaccharidosis type 4; Eccentrochondrodysplasia. Identifiers: Orphanet 582, MedGen C0026707, MONDO:0018938.
Mucopolysaccharidosis, MPS-IV-A (MPS4A). Also called: MORQUIO SYNDROME A; MPS IVA; GALACTOSAMINE-6-SULFATASE DEFICIENCY; GALNS DEFICIENCY; MORQUIO A DISEASE; mucopolysaccharidosis type 4A. Identifiers: Orphanet 309297, Orphanet 582, MedGen C0086651, MONDO:0009659, OMIM 253000.

Submissions (4):

Labcorp Genetics (formerly Invitae), Labcorp
Classification: Pathogenic for Mucopolysaccharidosis, MPS-IV-A. Last evaluated: 2023-11-27. Review status: criteria provided, single submitter. Criteria: Invitae Variant Classification Sherloc (09022015). Collection method: clinical testing. Allele origin: germline.
Comment: This sequence change creates a premature translational stop signal (p.Asn164Thrfs*35) in the GALNS gene. It is expected to result in an absent or disrupted protein product. Loss-of-function variants in GALNS are known to be pathogenic (PMID: 12442278). This variant is present in population databases (no rsID available, gnomAD 0.0009%). This premature translational stop signal has been observed in individual(s) with mucopolysaccharidosis type IVa (PMID: 9298823). ClinVar contains an entry for this variant (Variation ID: 643109). Algorithms developed to predict the effect of sequence changes on RNA splicing suggest that this variant may disrupt the consensus splice site. For these reasons, this variant has been classified as Pathogenic.

Genome-Nilou Lab
Classification: Pathogenic for Mucopolysaccharidosis, MPS-IV-A. Last evaluated: 2021-11-07. Review status: criteria provided, single submitter. Criteria: ACMG Guidelines, 2015. Collection method: clinical testing. Allele origin: germline. Affected: no.

Laboratory of Diagnosis and Therapy of Lysosomal Disorders, University of Padova
Classification: Pathogenic for Mucopolysaccharidosis, MPS-IV-A. Last evaluated: 2021-02-01. Review status: criteria provided, single submitter. Criteria: ACMG Guidelines, 2015. Collection method: research. Allele origin: germline. Affected: yes.
Comment: Frameshift variant (PVS1_very strong); the prevalence of the variant in affected individuals is significantly increased compared with the prevalence in controls (PS4_strong); absent from gnomAD v2.1.1 (PM2_moderate)

Women's Health and Genetics/Laboratory Corporation of America, LabCorp
Classification: Likely pathogenic for Morquio syndrome. Last evaluated: 2019-01-24. Review status: criteria provided, single submitter. Criteria: LabCorp Variant Classification Summary - May 2015. Collection method: clinical testing. Allele origin: germline.
Comment: Variant summary: The variant, GALNS c.489delC (p.Asn164ThrfsX35) results in a premature termination codon, predicted to cause a truncation of the encoded protein or absence of the protein due to nonsense mediated decay, which are commonly known mechanisms for disease. Truncations nearby of this position have been classified as pathogenic by our laboratory (eg. c.498delC (p.Phe167fsX32)). The variant allele was found at a frequency of 4.1e-06 in 246236 control chromosomes (gnomAD) and has been reported in the literature in individuals affected with Mucopolysaccharidosis Type IVA (Morquio Syndrome A, Bunge_1997). To our knowledge, no experimental evidence demonstrating an impact on protein function has been reported. No clinical diagnostic laboratories have submitted clinical-significance assessments for this variant to ClinVar after 2014. Based on the evidence outlined above, the variant was classified as likely pathogenic.

Literature cited by the submitters: PubMed 12442278 (cited by Labcorp Genetics (formerly Invitae), Labcorp); PubMed 9298823 (cited by 3 submitters); PubMed 24726177 (cited by Laboratory of Diagnosis and Therapy of Lysosomal Disorders, University of Padova); PubMed 34387910 (cited by Laboratory of Diagnosis and Therapy of Lysosomal Disorders, University of Padova); PubMed 25501214 (cited by Women's Health and Genetics/Laboratory Corporation of America, LabCorp).